The following is an entry in ClinVar:

ClinVar aggregate classification (germline): Uncertain significance (1 of 4 stars; one submission).

Conditions:
Inborn genetic diseases. Identifiers: MedGen C0950123, MeSH D030342.

Submission:

Ambry Genetics
Classification: Uncertain significance for Inborn genetic diseases. Last evaluated: 2025-10-25. Review status: criteria provided, single submitter. Criteria: Ambry Variant Classification Scheme 2023. Collection method: clinical testing. Allele origin: germline.
Comment: The p.V34M variant (also known as c.100G>A), located in coding exon 2 of the DDX41 gene, results from a G to A substitution at nucleotide position 100. The valine at codon 34 is replaced by methionine, an amino acid with highly similar properties. This amino acid position is conserved. In addition, this alteration is predicted to be tolerated by in silico analysis. Based on the available evidence, the clinical significance of this variant remains unclear.

NM_016222.4(DDX41):c.100G>A (p.Val34Met)

Gene: DDX41 (DEAD-box helicase 41; minus strand). Cytogenetic location: 5q35.3.
Variant type: single nucleotide variant.
Coding change: c.100G>A on transcript NM_016222.4 (MANE Select); coding-DNA position 100, G replaced by A.
Protein change: p.Val34Met; replaces valine 34 with methionine.
Molecular consequence: missense variant. On other transcripts: 5 prime UTR variant (2).
Genome position (GRCh38, 1-based): chr5:177,516,763, C>T on the plus strand (G>A on the coding strand, the complement: DDX41 is on the minus strand). VCF-style: chr5-177516763-C-T. GRCh37 (hg19) VCF-style: chr5-176943764-C-T.
Other names: c.-556G>A (NM_001321732.2); c.-348G>A (NM_001321830.2); short protein forms V34M.
Identifiers: ClinVar variation 4617168 (VCV004617168.1).